The following is an entry in ClinVar:

ClinVar aggregate classification (germline): Uncertain significance. Review status: criteria provided, multiple submitters, no conflicts (2 of 4 stars). 3 submissions from 3 submitters: Uncertain significance (3). Last evaluated 2025-09-11.

Conditions:
Inborn genetic diseases. Identifiers: MedGen C0950123, MeSH D030342.

Allele frequency attached by ClinVar (database versions not stated): gnomAD exomes 0.00007 and 0.00008; ExAC 0.00008; TOPMed 0.00014; gnomAD 0.00015 and 0.00016; 1000 Genomes Project 30x 0.00016.
gnomAD v4.1: 128 of 1,603,666 alleles (0.008%); highest among the groups gnomAD compares: African/African-American, 0.035%; no homozygotes.

Submissions (3):

Ambry Genetics
Classification: Uncertain significance for Inborn genetic diseases. Last evaluated: 2025-09-11. Review status: criteria provided, single submitter. Criteria: Ambry Variant Classification Scheme 2023. Collection method: clinical testing. Allele origin: germline.

Labcorp Genetics (formerly Invitae), Labcorp
Classification: Uncertain significance. Last evaluated: 2024-12-09. Review status: criteria provided, single submitter. Criteria: Invitae Variant Classification Sherloc (09022015). Collection method: clinical testing. Allele origin: germline.
Comment: This sequence change replaces glutamic acid, which is acidic and polar, with lysine, which is basic and polar, at codon 546 of the C7 protein (p.Glu546Lys). This variant is present in population databases (rs192679722, gnomAD 0.03%). This variant has not been reported in the literature in individuals affected with C7-related conditions. ClinVar contains an entry for this variant (Variation ID: 75949). Invitae Evidence Modeling of protein sequence and biophysical properties (such as structural, functional, and spatial information, amino acid conservation, physicochemical variation, residue mobility, and thermodynamic stability) has been performed for this missense variant. However, the output from this modeling did not meet the statistical confidence thresholds required to predict the impact of this variant on C7 protein function. In summary, the available evidence is currently insufficient to determine the role of this variant in disease. Therefore, it has been classified as a Variant of Uncertain Significance.

Blueprint Genetics
Classification: Uncertain significance. Last evaluated: 2023-09-18. Review status: criteria provided, single submitter. Criteria: ACMG Guidelines, 2015. Collection method: clinical testing. Allele origin: germline.

NM_000587.4(C7):c.1636G>A (p.Glu546Lys)

Gene: C7 (complement C7; plus strand). Cytogenetic location: 5p13.1.
Variant type: single nucleotide variant.
Coding change: c.1636G>A on transcript NM_000587.4 (MANE Select); coding-DNA position 1636, G replaced by A.
Protein change: p.Glu546Lys; replaces glutamic acid 546 with lysine.
Molecular consequence: missense variant.
Genome position (GRCh38, 1-based): chr5:40,959,595, G>A. VCF-style: chr5-40959595-G-A. GRCh37 (hg19) VCF-style: chr5-40959697-G-A.
Other names: short protein forms E546K.
Identifiers: ClinVar variation 75949 (VCV000075949.8), dbSNP rs192679722, ClinGen allele CA3250038.